The following is an entry in ClinVar:

NM_000542.5(SFTPB):c.1136C>G (p.Pro379Arg)

Gene: SFTPB (surfactant protein B; minus strand). Cytogenetic location: 2p11.2.
Variant type: single nucleotide variant.
Coding change: c.1136C>G on transcript NM_000542.5 (MANE Select); coding-DNA position 1136, C replaced by G.
Protein change: p.Pro379Arg; replaces proline 379 with arginine.
Molecular consequence: missense variant. On other transcripts: intron variant (1).
Genome position (GRCh38, 1-based): chr2:85,661,483, G>C on the plus strand (C>G on the coding strand, the complement: SFTPB is on the minus strand). VCF-style: chr2-85661483-G-C. GRCh37 (hg19) VCF-style: chr2-85888606-G-C.
Other names: c.1136C>G, p.Pro379Arg (NM_198843.4); c.1002+1863C>G (NM_001367281.1); short protein forms P379R.
Identifiers: ClinVar variation 717895 (VCV000717895.13), dbSNP rs144831319, ClinGen allele CA1743791.

ClinVar aggregate classification (germline): Likely benign. Review status: criteria provided, multiple submitters, no conflicts (2 of 4 stars). 3 submissions from 3 submitters: Likely benign (3). Last evaluated 2025-07-06.

Conditions:
Surfactant metabolism dysfunction, pulmonary, 1. Also called: Pulmonary surfactant protein B, deficiency of; INTERSTITIAL LUNG DISEASE DUE TO SURFACTANT PROTEIN B DEFICIENCY; INTERSTITIAL LUNG DISEASE, NONSPECIFIC, DUE TO SURFACTANT PROTEIN B DEFICIENCY; PULMONARY ALVEOLAR PROTEINOSIS, CONGENITAL, 1; Neonatal acute respiratory distress due to SP-B deficiency. Identifiers: Orphanet 217563, MedGen C1968602, MONDO:0009929, OMIM 265120.

Allele frequency attached by ClinVar (database versions not stated): ESP Exome Variant Server 0.00008; gnomAD exomes 0.00080; gnomAD 0.00011 and 0.00042; TOPMed 0.00017; ExAC 0.00117; 1000 Genomes Project 30x 0.00172; 1000 Genomes Project 0.00200.
gnomAD v4.1: 733 of 1,611,688 alleles (0.045%); highest among the groups gnomAD compares: South Asian, 0.58%; 7 homozygotes.

Submissions (3):

Labcorp Genetics (formerly Invitae), Labcorp
Classification: Likely benign. Last evaluated: 2025-07-06. Review status: criteria provided, single submitter. Criteria: Invitae Variant Classification Sherloc (09022015). Collection method: clinical testing. Allele origin: germline.

Illumina Laboratory Services, Illumina
Classification: Likely benign for Surfactant metabolism dysfunction, pulmonary, 1. Last evaluated: 2018-01-13. Review status: criteria provided, single submitter. Criteria: ICSL Variant Classification Criteria 13 December 2019. Collection method: clinical testing. Allele origin: germline.
Comment: This variant was observed in the ICSL laboratory as part of a predisposition screen in an ostensibly healthy population. It had not been previously curated by ICSL or reported in the Human Gene Mutation Database (HGMD: prior to June 1st, 2018), and was therefore a candidate for classification through an automated scoring system. Utilizing variant allele frequency, disease prevalence and penetrance estimates, and inheritance mode, an automated score was calculated to assess if this variant is too frequent to cause the disease. Based on the score and internal cut-off values, a variant classified as likely benign is not then subjected to further curation. The score for this variant resulted in a classification of likely benign for this disease.

Breakthrough Genomics
Classification: Likely benign. Review status: criteria provided, single submitter. Criteria: ACMG Guidelines, 2015. Collection method: not provided. Allele origin: germline. Inheritance: Autosomal recessive inheritance. Affected: yes.